The following is an entry in ClinVar:

ClinVar aggregate classification (germline): Uncertain significance (1 of 4 stars; one submission).

Conditions:
Inborn genetic diseases. Identifiers: MedGen C0950123, MeSH D030342.

gnomAD v4.1: 1 of 1,614,006 alleles (0.000062%); highest among the groups gnomAD compares: Non-Finnish European, 0.000085%; no homozygotes.

Submission:

Ambry Genetics
Classification: Uncertain significance for Inborn genetic diseases. Last evaluated: 2024-09-22. Review status: criteria provided, single submitter. Criteria: Ambry Variant Classification Scheme 2023. Collection method: clinical testing. Allele origin: germline.
Comment: The p.V230A variant (also known as c.689T>C), located in coding exon 8 of the ERCC2 gene, results from a T to C substitution at nucleotide position 689. The valine at codon 230 is replaced by alanine, an amino acid with similar properties. This amino acid position is conserved. In addition, the in silico prediction for this alteration is inconclusive. Based on the available evidence, the clinical significance of this variant remains unclear.

NM_000400.4(ERCC2):c.689T>C (p.Val230Ala)

Gene: ERCC2 (ERCC excision repair 2, TFIIH core complex helicase subunit; minus strand). Cytogenetic location: 19q13.32.
Variant type: single nucleotide variant.
Coding change: c.689T>C on transcript NM_000400.4 (MANE Select); coding-DNA position 689, T replaced by C.
Protein change: p.Val230Ala; replaces valine 230 with alanine.
Molecular consequence: missense variant.
Genome position (GRCh38, 1-based): chr19:45,364,453, A>G on the plus strand (T>C on the coding strand, the complement: ERCC2 is on the minus strand). VCF-style: chr19-45364453-A-G. GRCh37 (hg19) VCF-style: chr19-45867711-A-G.
Other names: c.617T>C, p.Val206Ala (NM_001130867.2); short protein forms V206A, V230A.
Identifiers: ClinVar variation 3509871 (VCV003509871.1).